The following is an entry in ClinVar:

ClinVar aggregate classification (germline): Uncertain significance. Review status: criteria provided, multiple submitters, no conflicts (2 of 4 stars). 2 submissions from 2 submitters: Uncertain significance (2). Last evaluated 2024-06-17.

Allele frequency attached by ClinVar (database versions not stated): TOPMed 0.00001.
gnomAD v4.1: 13 of 1,612,904 alleles (0.00081%); highest among the groups gnomAD compares: Admixed American, 0.0017%; no homozygotes.

Submissions (2):

Labcorp Genetics (formerly Invitae), Labcorp
Classification: Uncertain significance. Last evaluated: 2024-06-17. Review status: criteria provided, single submitter. Criteria: Invitae Variant Classification Sherloc (09022015). Collection method: clinical testing. Allele origin: germline.
Comment: This sequence change replaces aspartic acid, which is acidic and polar, with asparagine, which is neutral and polar, at codon 224 of the REL protein (p.Asp224Asn). This variant is present in population databases (no rsID available, gnomAD 0.009%). This variant has not been reported in the literature in individuals affected with REL-related conditions. ClinVar contains an entry for this variant (Variation ID: 2083888). Algorithms developed to predict the effect of missense changes on protein structure and function output the following: SIFT: "Not Available"; PolyPhen-2: "Benign"; Align-GVGD: "Not Available". The asparagine amino acid residue is found in multiple mammalian species, which suggests that this missense change does not adversely affect protein function. In summary, the available evidence is currently insufficient to determine the role of this variant in disease. Therefore, it has been classified as a Variant of Uncertain Significance.

Ambry Genetics
Classification: Uncertain significance. Last evaluated: 2024-05-02. Review status: criteria provided, single submitter. Criteria: Ambry Variant Classification Scheme 2023. Collection method: clinical testing. Allele origin: germline.

NM_001291746.2(REL):c.670G>A (p.Asp224Asn)

Gene: REL (REL proto-oncogene, NF-kB subunit; plus strand). Cytogenetic location: 2p16.1.
Variant type: single nucleotide variant.
Coding change: c.670G>A on transcript NM_001291746.2 (MANE Select); coding-DNA position 670, G replaced by A.
Protein change: p.Asp224Asn; replaces aspartic acid 224 with asparagine.
Molecular consequence: missense variant.
Genome position (GRCh38, 1-based): chr2:60,918,423, G>A. VCF-style: chr2-60918423-G-A. GRCh37 (hg19) VCF-style: chr2-61145558-G-A.
Other names: c.670G>A, p.Asp224Asn (NM_002908.4); c.670G>A (NM_002908.2); short protein forms D224N.
Identifiers: ClinVar variation 2083888 (VCV002083888.4), dbSNP rs188947380, ClinGen allele CA347042838.
Genomic context (GRCh38, chr2:60,918,423, plus strand): 5'-ATTTTTTTTTTTTTGGTTTCTTATTGACTAGATGACATAGAAGTTCGTTTTGTGTTGAAC[G>A]ATTGGGAAGCAAAAGGCATCTTTTCACAAGCTGATGTACACCGTCAAGTAGCCATTGTTT-3'
Protein context (NP_001278675.1, residues 214-234): DDIEVRFVLN[Asp224Asn]WEAKGIFSQA